The following is an entry in ClinVar:

NM_000169.3(GLA):c.704C>A (p.Ser235Tyr)

Genes: GLA (galactosidase alpha; minus strand), RPL36A-HNRNPH2 (RPL36A-HNRNPH2 readthrough; plus strand). Cytogenetic location: Xq22.1.
Variant type: single nucleotide variant.
Coding change: c.704C>A on transcript NM_000169.3 (MANE Select); coding-DNA position 704, C replaced by A.
Protein change: p.Ser235Tyr; replaces serine 235 with tyrosine.
Molecular consequence: missense variant. On other transcripts: non-coding transcript variant (3), intron variant (2).
Genome position (GRCh38, 1-based): chrX:101,398,882, G>T on the plus strand (C>A on the coding strand, the complement: GLA is on the minus strand). VCF-style: chrX-101398882-G-T. GRCh37 (hg19) VCF-style: chrX-100653870-G-T.
Other names: c.827C>A, p.Ser276Tyr (NM_001406747.1); c.704C>A, p.Ser235Tyr (NM_001406748.1); c.300+3425G>T (NM_001199973.2); c.177+7060G>T (NM_001199974.2); short protein forms S235Y, S276Y.
Identifiers: ClinVar variation 4087474 (VCV004087474.2).

ClinVar aggregate classification (germline): Pathogenic (1 of 4 stars; one submission).

Conditions:
Fabry disease. Also called: ALPHA-GALACTOSIDASE A DEFICIENCY; ANDERSON-FABRY DISEASE; CERAMIDE TRIHEXOSIDASE DEFICIENCY; GLA DEFICIENCY; HEREDITARY DYSTOPIC LIPIDOSIS; Angiokeratoma corporis diffusum. Identifiers: Orphanet 324, MedGen C0002986, MONDO:0010526, OMIM 301500, HP:0001071. Disease mechanism: Fabry disease is due to inactivating mutations in the X-linked GLA gene resulting in deficiency of the enzyme Alpha Galactosidase-A., loss of function.

Submission:

Genomenon, Inc
Classification: Pathogenic for Fabry disease. Last evaluated: 2026-09-08. Review status: criteria provided, single submitter. Criteria: Genomenon Sequence Variant Interpretation Standards - Updated. Collection method: curation. Allele origin: germline. Affected: yes.
Comment: GLA p.Ser235Tyr (c.704C>A) is a missense variant that changes the amino acid at codon 235 from Serine to Tyrosine. This variant has been observed in at least one proband with clinical features consistent with Fabry disease (PMID:34785703;28728877). At least one functional study has demonstrated a substantial alteration in protein function relative to the wild-type (PMID:27657681). This variant is located in a mutational hotspot and/or important functional domain. It is absent or not present at a significant frequency in gnomAD. In silico models predict that this variant is possibly or probably damaging. In conclusion, we classify GLA p.Ser235Tyr (c.704C>A) as a pathogenic variant.

Literature cited by the submitters: PubMed 34785703; PubMed 28728877; PubMed 27657681.